The following is an entry in ClinVar:

NM_001374259.2(IL12RB2):c.1094A>G (p.Gln365Arg)

Gene: IL12RB2 (interleukin 12 receptor subunit beta 2; plus strand). Cytogenetic location: 1p31.3.
Variant type: single nucleotide variant.
Coding change: c.1094A>G on transcript NM_001374259.2 (MANE Select); coding-DNA position 1094, A replaced by G.
Protein change: p.Gln365Arg; replaces glutamine 365 with arginine.
Molecular consequence: missense variant. On other transcripts: non-coding transcript variant (2).
Genome position (GRCh38, 1-based): chr1:67,350,925, A>G. VCF-style: chr1-67350925-A-G. GRCh37 (hg19) VCF-style: chr1-67816608-A-G.
Other names: c.1094A>G, p.Gln365Arg (NM_001258214.1, NM_001258215.1, NM_001258216.1 and 2 more transcripts); short protein forms Q365R.
Identifiers: ClinVar variation 4775061 (VCV004775061.1).

ClinVar aggregate classification (germline): Uncertain significance (1 of 4 stars; one submission).

gnomAD v4.1: 3 of 1,614,024 alleles (0.00019%); highest among the groups gnomAD compares: Non-Finnish European, 0.00025%; no homozygotes.

Submission:

Labcorp Genetics (formerly Invitae), Labcorp
Classification: Uncertain significance. Last evaluated: 2025-04-02. Review status: criteria provided, single submitter. Criteria: Invitae Variant Classification Sherloc (09022015). Collection method: clinical testing. Allele origin: germline.
Comment: This sequence change replaces glutamine, which is neutral and polar, with arginine, which is basic and polar, at codon 365 of the IL12RB2 protein (p.Gln365Arg). This variant is present in population databases (no rsID available, gnomAD 0.007%). This variant has not been reported in the literature in individuals affected with IL12RB2-related conditions. An algorithm developed to predict the effect of missense changes on protein structure and function (PolyPhen-2) suggests that this variant is likely to be tolerated. In summary, the available evidence is currently insufficient to determine the role of this variant in disease. Therefore, it has been classified as a Variant of Uncertain Significance.